The following is an entry in ClinVar:

ClinVar aggregate classification (germline): Pathogenic. Review status: criteria provided, multiple submitters, no conflicts (2 of 4 stars). 2 submissions from 2 submitters: Pathogenic (2). Last evaluated 2025-06-08.

Conditions:
IFAP syndrome 1, with or without BRESHECK syndrome. Also called: ICHTHYOSIS FOLLICULARIS, ATRICHIA, AND PHOTOPHOBIA WITH OR WITHOUT BRAIN ANOMALIES, RETARDATION, ECTODERMAL DYSPLASIA, SKELETAL MALFORMATIONS, HIRSCHSPRUNG DISEASE, EAR/EYE ANOMALIES, CLEFT PALATE/CRYPTORCHIDISM, AND KIDNEY DYSPLASIA/HYPOPLASIA; IFAP SYNDROME 1; IFAP syndrome with or without BRESHECK syndrome. Identifiers: Orphanet 2273, Orphanet 85284, MedGen C5399971, MONDO:0100213, OMIM 308205.

Submissions (2):

GeneDx
Classification: Pathogenic. Last evaluated: 2025-06-08. Review status: criteria provided, single submitter. Criteria: GeneDx Variant Classification Process June 2021. Collection method: clinical testing. Allele origin: germline. Affected: yes.
Comment: Non-canonical splice site variant demonstrated to result in loss of function (PMID: 36539961); Not observed at significant frequency in large population cohorts (gnomAD); This variant is associated with the following publications: (PMID: 33742461, 36539961)

Bioscientia Institut fuer Medizinische Diagnostik GmbH, Sonic Healthcare
Classification: Pathogenic for IFAP syndrome 1, with or without BRESHECK syndrome. Last evaluated: 2025-03-11. Review status: criteria provided, single submitter. Criteria: ACMG Guidelines, 2015. Collection method: clinical testing. Allele origin: germline. Affected: yes.

NM_015884.4(MBTPS2):c.970+5G>A

Gene: MBTPS2 (membrane bound transcription factor peptidase, site 2; plus strand). Cytogenetic location: Xp22.12.
Variant type: single nucleotide variant.
Coding change: c.970+5G>A on transcript NM_015884.4 (MANE Select); 5 bases into the intron after coding-DNA position 970, G replaced by A.
Molecular consequence: intron variant.
Genome position (GRCh38, 1-based): chrX:21,869,683, G>A. VCF-style: chrX-21869683-G-A. GRCh37 (hg19) VCF-style: chrX-21887801-G-A.
Identifiers: ClinVar variation 4528364 (VCV004528364.2).